The following is an entry in ClinVar:

NM_020066.5(FMN2):c.3709C>G (p.Leu1237Val)

Gene: FMN2 (formin 2; plus strand). Cytogenetic location: 1q43.
Variant type: single nucleotide variant.
Coding change: c.3709C>G on transcript NM_020066.5 (MANE Select); coding-DNA position 3709, C replaced by G.
Protein change: p.Leu1237Val; replaces leucine 1237 with valine.
Molecular consequence: missense variant. On other transcripts: intron variant (1).
Genome position (GRCh38, 1-based): chr1:240,208,521, C>G. VCF-style: chr1-240208521-C-G. GRCh37 (hg19) VCF-style: chr1-240371821-C-G.
Other names: c.3721C>G, p.Leu1241Val (NM_001305424.2); c.1986+20259C>G (NM_001348094.2); short protein forms L1237V, L1241V.
Identifiers: ClinVar variation 3352599 (VCV003352599.1).

ClinVar aggregate classification (germline): Benign (0 of 4 stars; one submission).

Conditions:
FMN2-related disorder. Also called: FMN2-related condition.

gnomAD v4.1: 1,556 of 1,612,970 alleles (0.096%); highest among the groups gnomAD compares: African/African-American, 1.9%; 13 homozygotes.

Submission:

PreventionGenetics, part of Exact Sciences
Classification: Benign for FMN2-related condition. Last evaluated: 2024-06-18. Review status: no assertion criteria provided. Collection method: clinical testing. Allele origin: germline.
Comment: This variant is classified as benign based on ACMG/AMP sequence variant interpretation guidelines (Richards et al. 2015 PMID: 25741868, with internal and published modifications).